The following is an entry in ClinVar:

ClinVar aggregate classification (germline): Benign. Review status: reviewed by expert panel (3 of 4 stars). 2 submissions from 2 submitters: Benign (1). 1 of the submissions does not count toward it. Last evaluated 2015-01-12.

Conditions:
Breast-ovarian cancer, familial, susceptibility to, 2 (BROVCA2). Also called: BRCA2 Hereditary Breast and Ovarian Cancer. Identifiers: Orphanet 145, MedGen C2675520, MONDO:0012933, OMIM 612555. Disease mechanism: loss of function.

Allele frequency attached by ClinVar (database versions not stated): 1000 Genomes Project 30x 0.20878; 1000 Genomes Project 0.20927; gnomAD 0.21965 and 0.22265; TOPMed 0.22510; gnomAD exomes 0.25807.
gnomAD v4.1: 50,643 of 216,724 alleles (23%); highest among the groups gnomAD compares: South Asian, 30%; 6,426 homozygotes.

Submissions (2):

Evidence-based Network for the Interpretation of Germline Mutant Alleles (ENIGMA)
Classification: Benign for Breast-ovarian cancer, familial 2. Last evaluated: 2015-01-12. Review status: reviewed by expert panel. Criteria: ENIGMA BRCA1/2 Classification Criteria (2015). Collection method: curation. Allele origin: germline.
Comment: Class 1 not pathogenic based on frequency >1% in an outbred sampleset. Frequency 0.1923 (Asian), 0.09959 (African), 0.248 (European), derived from 1000 genomes (2012-04-30).

Breakthrough Genomics
Classification: Benign. Review status: criteria provided, single submitter. Criteria: ACMG Guidelines, 2015. Collection method: not provided. Allele origin: germline. Inheritance: Autosomal recessive inheritance. Affected: yes. Not counted in ClinVar's aggregate classification.

NM_000059.4(BRCA2):c.9256+5252A>G

Gene: BRCA2 (BRCA2 DNA repair associated; plus strand). Cytogenetic location: 13q13.1.
Variant type: single nucleotide variant.
Coding change: c.9256+5252A>G on transcript NM_000059.4 (MANE Select); 5252 bases into the intron after coding-DNA position 9256, A replaced by G.
Molecular consequence: intron variant.
Genome position (GRCh38, 1-based): chr13:32,385,397, A>G. VCF-style: chr13-32385397-A-G. GRCh37 (hg19) VCF-style: chr13-32959534-A-G.
Other names: IVS 24+5252A>G.
Identifiers: ClinVar variation 209870 (VCV000209870.2), dbSNP rs542551, ClinGen allele CA276838.
Genomic context (GRCh38, chr13:32,385,397, plus strand): 5'-AGCTTTGGGATGAAGGACAGGAAGCTGAAGGAGAAAAGTACTTTGAAGGAGCTCTGGCCA[A>G]TACGTCCATGCAGACCTTTGTCTTTGGATATGTCTTTGGATATGTCTTCTCTTCTTACTG-3'